The following is an entry in ClinVar:

NM_006017.3(PROM1):c.1842A>T (p.Gly614=)

Gene: PROM1 (prominin 1; minus strand). Cytogenetic location: 4p15.32.
Variant type: single nucleotide variant.
Coding change: c.1842A>T on transcript NM_006017.3 (MANE Select); coding-DNA position 1842, A replaced by T.
Protein change: p.Gly614=; no amino-acid change (glycine 614 retained).
Molecular consequence: synonymous variant.
Genome position (GRCh38, 1-based): chr4:15,992,317, T>A on the plus strand (A>T on the coding strand, the complement: PROM1 is on the minus strand). VCF-style: chr4-15992317-T-A. GRCh37 (hg19) VCF-style: chr4-15993940-T-A.
Other names: c.1815A>T, p.Gly605= (NM_001145847.2, NM_001145848.2, NM_001145851.2 and 4 more transcripts); c.1842A>T, p.Gly614= (NM_001145849.2, NM_001145850.2).
Identifiers: ClinVar variation 3641505 (VCV003641505.2).

ClinVar aggregate classification (germline): Uncertain significance (1 of 4 stars; one submission).

Submission:

Labcorp Genetics (formerly Invitae), Labcorp
Classification: Uncertain significance. Last evaluated: 2024-02-17. Review status: criteria provided, single submitter. Criteria: Invitae Variant Classification Sherloc (09022015). Collection method: clinical testing. Allele origin: germline.
Comment: This sequence change affects codon 614 of the PROM1 mRNA. It is a 'silent' change, meaning that it does not change the encoded amino acid sequence of the PROM1 protein. This variant is not present in population databases (gnomAD no frequency). This variant has not been reported in the literature in individuals affected with PROM1-related conditions. Algorithms developed to predict the effect of sequence changes on RNA splicing suggest that this variant may disrupt the consensus splice site. In summary, the available evidence is currently insufficient to determine the role of this variant in disease. Therefore, it has been classified as a Variant of Uncertain Significance.